The following is an entry in ClinVar:

NM_000419.5(ITGA2B):c.240_241del (p.Glu80fs)

Gene: ITGA2B (integrin subunit alpha 2b; minus strand). Cytogenetic location: 17q21.31.
Variant type: Microsatellite.
Coding change: c.240_241del on transcript NM_000419.5 (MANE Select); coding-DNA positions 240 to 241, 2 bases deleted (GA; older notation c.240_241delGA).
Protein change: p.Glu80fs; shifts the reading frame from glutamic acid 80.
Molecular consequence: frameshift variant.
Genome position (GRCh38, 1-based): chr17:44,386,079-44,386,080, TC deleted on the plus strand (GA on the coding strand, the reverse complement: ITGA2B is on the minus strand); deleting any 2 consecutive bases within chr17:44,386,079-44,386,082 gives the same sequence; the c. name uses the placement nearest the transcript's 3' end. VCF-style (leftmost placement, unchanged base first): chr17-44386078-GTC-G. GRCh37 (hg19) VCF-style: chr17-42463446-GTC-G.
Other names: short protein forms E80fs.
Identifiers: ClinVar variation 977125 (VCV000977125.4), dbSNP rs2048646560, ClinGen allele CA1139654962.

ClinVar aggregate classification (germline): Pathogenic. Review status: reviewed by expert panel (3 of 4 stars). 2 submissions from 2 submitters: Pathogenic (1). 1 of the submissions does not count toward it. Last evaluated 2022-06-08.

Conditions:
Glanzmann thrombasthenia. Also called: Thrombasthenia; BLEEDING DISORDER, PLATELET-TYPE, 2; THROMBASTHENIA OF GLANZMANN AND NAEGELI; PLATELET GLYCOPROTEIN IIb-IIIa DEFICIENCY; Glanzmann's thrombasthenia. Identifiers: Orphanet 849, MedGen C0040015, MONDO:0100326.

Submissions (2):

ClinGen Platelet Disorders Variant Curation Expert Panel, ClinGen
Classification: Pathogenic for Glanzmann thrombasthenia. Last evaluated: 2022-06-08. Review status: reviewed by expert panel. Criteria: ClinGen Platelet ACMG Specifications v2-1. Collection method: curation. Allele origin: germline. Inheritance: Autosomal recessive inheritance.
Comment: The NM_000419.5(ITGA2B):c.240_241del (p.Glu80fs) frameshift variant occurs in exon 2 of 30 where it creates a premature stop codon and is predicted to result in NMD. At least one patient (P1 in PMID: 34275420) is homozygous for this variant (PM3_supporting) and displayed mucocutaneous bleeding and impaired aggregation with all agonists except ristocetin, which is highly specific for Glanzmann thrombasthenia. Additionally, alphaIIbbeta3 surface expression was reduced to <5%, as measured by flow cytometry (PP4_strong). It is absent from gnomAD, ExAC, 1000 Genomes, and ESP. In summary, this variant meets criteria to be classified as pathogenic for GT. GT-specific criteria applied: PP4_Strong, PM2_Supporting, PM3_supporting, and PVS1.

Departement d'Immunology Plaquettaire, Institut National de la Transfusion Sanguine
Classification: Pathogenic for Glanzmann thrombasthenia 1. Review status: criteria provided, single submitter. Criteria: ACMG Guidelines, 2015. Collection method: provider interpretation, research. Allele origin: germline. Inheritance: Autosomal recessive inheritance. Affected: yes. Observed: 2 variant alleles, 1 heterozygote, 1 homozygote. Not counted in ClinVar's aggregate classification.
Comment: The variant alters the expression of the platelets fibrinogen receptor alphaIIb beta3

Literature cited by the submitters: PubMed 32139434 (cited by Departement d'Immunology Plaquettaire, Institut National de la Transfusion Sanguine); PubMed 16722529 (cited by Departement d'Immunology Plaquettaire, Institut National de la Transfusion Sanguine).